The following is an entry in ClinVar:

ClinVar aggregate classification (germline): Uncertain significance (1 of 4 stars; one submission).

Conditions:
Hereditary cancer-predisposing syndrome. Also called: Hereditary neoplastic syndrome; Neoplastic Syndromes, Hereditary; Tumor predisposition; Hereditary Cancer Syndrome. Identifiers: Orphanet 140162, MedGen C0027672, MeSH D009386, MONDO:0015356.

Submission:

Ambry Genetics
Classification: Uncertain significance for Hereditary cancer-predisposing syndrome. Last evaluated: 2025-07-03. Review status: criteria provided, single submitter. Criteria: Ambry Variant Classification Scheme 2023. Collection method: clinical testing. Allele origin: germline.
Comment: The p.M658L variant (also known as c.1972A>C), located in coding exon 13 of the RAD50 gene, results from an A to C substitution at nucleotide position 1972. The methionine at codon 658 is replaced by leucine, an amino acid with highly similar properties. This amino acid position is conserved. In addition, this alteration is predicted to be tolerated by in silico analysis. Based on the available evidence, the clinical significance of this variant remains unclear.

NM_005732.4(RAD50):c.1972A>C (p.Met658Leu)

Gene: RAD50 (RAD50 double strand break repair protein; plus strand). Cytogenetic location: 5q31.1.
Variant type: single nucleotide variant.
Coding change: c.1972A>C on transcript NM_005732.4 (MANE Select); coding-DNA position 1972, A replaced by C.
Protein change: p.Met658Leu; replaces methionine 658 with leucine.
Molecular consequence: missense variant.
Genome position (GRCh38, 1-based): chr5:132,595,575, A>C. VCF-style: chr5-132595575-A-C. GRCh37 (hg19) VCF-style: chr5-131931267-A-C.
Other names: short protein forms M658L.
Identifiers: ClinVar variation 4149722 (VCV004149722.1).